The following is an entry in ClinVar:

NM_001122659.3(EDNRB):c.550T>C (p.Ser184Pro)

Genes: EDNRB (endothelin receptor type B; minus strand), EDNRB-AS1 (EDNRB antisense RNA 1; plus strand). Cytogenetic location: 13q22.3.
Variant type: single nucleotide variant.
Coding change: c.550T>C on transcript NM_001122659.3 (MANE Select); coding-DNA position 550, T replaced by C.
Protein change: p.Ser184Pro; replaces serine 184 with proline.
Molecular consequence: missense variant.
Genome position (GRCh38, 1-based): chr13:77,903,541, A>G on the plus strand (T>C on the coding strand, the complement: EDNRB is on the minus strand). VCF-style: chr13-77903541-A-G. GRCh37 (hg19) VCF-style: chr13-78477676-A-G.
Other names: c.550T>C, p.Ser184Pro (NM_000115.5, NM_003991.4); c.820T>C, p.Ser274Pro (NM_001201397.2); c.550_552delinsCCC (NM_000115.4); short protein forms S184P, S274P.
Identifiers: ClinVar variation 547294 (VCV000547294.2), dbSNP rs1555290659, ClinGen allele CA388451447.

ClinVar aggregate classification (germline): Conflicting classifications of pathogenicity. Review status: criteria provided, conflicting classifications (1 of 4 stars). 2 submissions from 2 submitters: Likely pathogenic (1); Uncertain significance (1). Last evaluated 2026-03-11.

Conditions:
EDNRB-related disorder. Also called: EDNRB-related condition; EDNRB-related disorders.
Waardenburg syndrome type 4A (WS4A). Also called: WAARDENBURG SYNDROME WITH HIRSCHSPRUNG DISEASE, TYPE 4A. Identifiers: Orphanet 897, MedGen C1848519, MONDO:0010192, OMIM 277580.

Submissions (2):

PreventionGenetics, part of Exact Sciences
Classification: Uncertain significance for EDNRB-related condition. Last evaluated: 2026-03-11. Review status: criteria provided, single submitter. Criteria: ACMG Guidelines, 2015. Collection method: clinical testing. Allele origin: germline.
Comment: The EDNRB c.550_552delinsCCC variant is predicted to result in an in-frame deletion and insertion. To our knowledge, this variant has not been reported in the literature or in a large population database (gnomAD), indicating this variant is rare. At this time, the clinical significance of this variant is uncertain due to the absence of conclusive functional and genetic evidence.

Center for Human Genetics, Inc
Classification: Likely pathogenic for Waardenburg syndrome type 4A. Last evaluated: 2016-11-01. Review status: criteria provided, single submitter. Criteria: ACMG Guidelines, 2015. Collection method: clinical testing. Allele origin: germline. Affected: yes.